The following continues an entry in ClinVar:

NM_000218.3(KCNQ1):c.1085A>G (p.Lys362Arg)

Gene: KCNQ1. ClinVar aggregate classification (germline): Pathogenic/Likely pathogenic. Pathogenic (5); Likely pathogenic (20).

Submissions 7 to 13 of 26:

Women's Health and Genetics/Laboratory Corporation of America, LabCorp
Classification: Pathogenic for Long QT syndrome. Last evaluated: 2025-02-10. Review status: criteria provided, single submitter. Criteria: LabCorp Variant Classification Summary - May 2015. Collection method: clinical testing. Allele origin: germline.
Comment: Variant summary: KCNQ1 c.1085A>G (p.Lys362Arg) results in a conservative amino acid change located in the Ion transport domain (IPR005821) of the encoded protein sequence. Four of five in-silico tools predict a damaging effect of the variant on protein function. The variant allele was found at a frequency of 4e-05 in 251350 control chromosomes. This frequency is not significantly higher than estimated for a pathogenic variant in KCNQ1 causing Long QT Syndrome (4e-05 vs 8.3e-05), allowing no conclusion about variant significance. c.1085A>G has been reported in the literature in individuals affected with Long QT Syndrome and Jervell and Lange-Nielsen syndrome (e.g. Kapa_2009, Kapplinger_2009, Natarajan_2016, Giudicessi_2013, Tester_2005). These data indicate that the variant is very likely to be associated with disease. At least one publication reports experimental evidence evaluating an impact on protein function and suggests the variant may impact channel function (Slaats_2015). The following publications have been ascertained in the context of this evaluation (PMID: 19841300, 23392653, 25854863, 15781747, 27831900, 26546361, 15840476). ClinVar contains an entry for this variant (Variation ID: 52953). Based on the evidence outlined above, the variant was classified as pathogenic.

Victorian Clinical Genetics Services, Murdoch Childrens Research Institute
Classification: Likely pathogenic for Long QT syndrome 1. Last evaluated: 2024-09-20. Review status: criteria provided, single submitter. Criteria: ACMG Guidelines, 2015. Collection method: clinical testing. Allele origin: germline. Inheritance: Autosomal dominant inheritance. Affected: yes.
Comment: Based on the classification scheme VCGS_Germline_v1.3.4, this variant is classified as Likely Pathogenic. Following criteria are met: 0103 - Dominant negative, loss of function and gain of function are known mechanisms of disease in this gene. Gain of function variants result exclusively in short QT syndrome (MIM#609621), while dominant negative and loss of function variants can cause long QT syndrome (LQTS, MIM#192500), atrial fibrillation (MIM#607554) and Jervell and Lange-Nielson syndrome (JLNS, MIM#220400) (OMIM, PMID: 19632626, 28438721). (I) 0108 - This gene is known to be associated with both recessive and dominant disease. JLNS is a more severe form of LQTS, and is the only condition caused by biallelic variants (PMID: 28438721). (I) 0112 - The condition associated with this gene has incomplete penetrance (OMIM, PMID: 20301308). (I) 0200 - Variant is predicted to result in a missense amino acid change from lysine to arginine. (I) 0251 - This variant is heterozygous. (I) 0304 - Variant is present in gnomAD <0.01 (10 heterozygotes, 0 homozygotes). (SP) 0501 - Missense variant consistently predicted to be damaging by multiple in silico tools or highly conserved with a major amino acid change. (SP) 0604 - Variant is not located in an established domain, motif, hotspot or informative constraint region. (I) 0705 - No comparable missense variants have previous evidence for pathogenicity. (I) 0801 - This variant has strong previous evidence of pathogenicity in unrelated individuals. It has been previously observed twice in our LQTS patient cohort, and has been reported in both heterozygous and compound heterozygous state in patients with LQTS and JLNS, respectively (PMID: 19716085, 23392653). However, this variant has also been called an incidental finding in one patient with unexplained cardiac arrest and normal QTc at rest and during exercise (PMID: 35352813), and has been identified in three alleles in a cohort of >13k asymptomatic older individuals, classified as likely pathogenic (PMID: 34135346). (SP) 0902 - This variant has moderate evidence for segregation with disease. This variant has also been shown to segregate with LQTS in two families (VCGS internal patients). (SP) 1002 - This variant has moderate functional evidence supporting abnormal protein function. Functional studies have demonstrated that this variant directly interacts with membrane lipid phosphatidylinositol 4,5-bisphosphate (PIP2), which is required for Kv7 channel opening. However, patch clamp assays have been shown to be unreliable, therefore results from these studies are used with caution during variant classification (PMID: 24947509). (I) 1208 - Inheritance information for this variant is not currently available in this individual. (I) Legend: (SP) - Supporting pathogenic, (I) - Information, (SB) - Supporting benign

All of Us Research Program, National Institutes of Health
Classification: Likely pathogenic for Long QT syndrome. Last evaluated: 2024-09-12. Review status: criteria provided, single submitter. Criteria: ACMG Guidelines, 2015. Collection method: clinical testing. Allele origin: germline. Inheritance: Autosomal dominant inheritance. Observed: 17 variant alleles, 17 heterozygotes.
Comment: The c.1085A>G (p.Lys362Arg) variant in the KCNQ1 gene has been identified in heterozygous status in at least four individuals with Long QT syndrome (LQTS) (PMID: 19841300, 22949429, 27831900, 32893267); in compound heterozygous status with another pathogenic variant (p.Ala341Val) in an individual with Jervell-Lange Nielsen syndrome (PMID: 15781747); This variant has also been observed in seven individuals who have been referred for LQTS testing, however, their detailed clinical information is not available (PMID: 19716085, 15840476). This variant was observed in 3 alleles from a study of 13,131 asymptomatic individuals aged 70 years and older without a history of cardiovascular events, suggesting incomplete penetrance (PMID: 34135346). In vitro functional studies have shown that this variant affects current amplitude in vitro and disrupts the potassium channel regulation in renal ciliogenesis (PMID:24947509, 26546361). In-silico computational prediction tools suggest that the p.Lys362Arg variant may have deleterious effect on the protein function (REVEL score: 0.964). This variant is found to be rare (10/251350) in the general population database (gnomAD) and interpreted as likely pathogenic/pathogenic by several (11) submitters in the ClinVar database (ClinVar ID: 52953). Therefore, the c.1085A>G (p.Lys362Arg) variant in the KCNQ1 gene is classified as likely pathogenic.

This study involves interpretation of variants in research participants for the purpose of population health screening. Participant phenotype was not available at the time of variant classification. Additional details can be found in publication PMID: 35346344, PMCID: PMC8962531

Blueprint Genetics
Classification: Likely pathogenic for KCNQ1-related disorders. Last evaluated: 2024-05-08. Review status: criteria provided, single submitter. Criteria: ACMG Guidelines, 2015. Collection method: clinical testing. Allele origin: germline. Affected: yes. Observed: 5 variant alleles.

CeGaT Center for Human Genetics Tuebingen
Classification: Likely pathogenic. Last evaluated: 2024-01-01. Review status: criteria provided, single submitter. Criteria: CeGaT Center For Human Genetics Tuebingen Variant Classification Criteria Version 2. Collection method: clinical testing. Allele origin: germline. Affected: yes. Observed: 1 variant allele.
Comment: KCNQ1: PM1, PS4:Moderate, PM2:Supporting, PP3, PS3:Supporting

Illumina Laboratory Services, Illumina
Classification: Likely pathogenic for Long QT syndrome 1. Last evaluated: 2023-08-24. Review status: criteria provided, single submitter. Criteria: ICSLVariantClassificationCriteria RUGD 01 April 2020. Collection method: clinical testing. Allele origin: unknown.
Comment: The KCNQ1 c.1085A>G (p.Lys362Arg) missense variant results in the substitution of lysine at amino acid position 362 with arginine. This variant has been identified in isolation and as part of a compound heterozygous pair in individuals with long QT syndrome and/or elongated QTc intervals (PMID: 15781747; 22949429; 23392653). A functional study conducted in non-human cells demonstrated that this variant impacts protein function (PMID: 26546361). This variant is located in a hotspot. This variant is not observed at a significant frequency in version 2.1.1 or version 3.1.2 of the Genome Aggregation Database. Multiple lines of computational evidence suggest the variant may impact the gene or gene product. This variant has been classified as pathogenic by at least three submitters in ClinVar. Based on the available evidence, the c.1085A>G (p.Lys362Arg) variant is classified as likely pathogenic for long QT syndrome.

Molecular Genetics Laboratory - Cardiogenetics, CHU de Nantes
Classification: Likely pathogenic for Long QT syndrome 1. Last evaluated: 2023-08-01. Review status: criteria provided, single submitter. Criteria: ACMG Guidelines, 2015. Collection method: clinical testing. Allele origin: germline. Affected: yes.